The following is an entry in ClinVar:

ClinVar aggregate classification (germline): Uncertain significance. Review status: criteria provided, multiple submitters, no conflicts (2 of 4 stars). 4 submissions from 4 submitters: Uncertain significance (3). 1 of the submissions does not count toward it. Last evaluated 2025-02-02.

Conditions:
Lymphoproliferative syndrome 2 (LPFS2). Also called: CD27 DEFICIENCY; Combined immunodeficiency due to CD27 deficiency. Identifiers: Orphanet 238505, MedGen C3554540, MONDO:0014054, OMIM 615122.

Allele frequency attached by ClinVar (database versions not stated): gnomAD 0.00003; gnomAD exomes 0.00003 and 0.00008; TOPMed 0.00004; ExAC 0.00007.

Submissions (4):

Labcorp Genetics (formerly Invitae), Labcorp
Classification: Uncertain significance for Lymphoproliferative syndrome 2. Last evaluated: 2025-02-02. Review status: criteria provided, single submitter. Criteria: Invitae Variant Classification Sherloc (09022015). Collection method: clinical testing. Allele origin: germline.
Comment: This sequence change replaces glutamic acid, which is acidic and polar, with lysine, which is basic and polar, at codon 241 of the CD27 protein (p.Glu241Lys). The frequency data for this variant in the population databases is considered unreliable, as metrics indicate poor data quality at this position in the gnomAD database. This variant has not been reported in the literature in individuals affected with CD27-related conditions. ClinVar contains an entry for this variant (Variation ID: 656240). An algorithm developed to predict the effect of missense changes on protein structure and function (PolyPhen-2) suggests that this variant is likely to be disruptive. In summary, the available evidence is currently insufficient to determine the role of this variant in disease. Therefore, it has been classified as a Variant of Uncertain Significance.

Blueprint Genetics
Classification: Uncertain significance. Last evaluated: 2024-02-19. Review status: criteria provided, single submitter. Criteria: ACMG Guidelines, 2015. Collection method: clinical testing. Allele origin: germline.

GeneDx
Classification: Uncertain significance. Last evaluated: 2023-12-18. Review status: criteria provided, single submitter. Criteria: GeneDx Variant Classification Process June 2021. Collection method: clinical testing. Allele origin: germline. Affected: yes.
Comment: In silico analysis supports that this missense variant does not alter protein structure/function; Has not been previously published as pathogenic or benign to our knowledge

Genetic Services Laboratory, University of Chicago
Classification: Uncertain significance. Last evaluated: 2022-06-09. Review status: no assertion criteria provided. Collection method: clinical testing. Allele origin: germline. Affected: no. Not counted in ClinVar's aggregate classification.
Comment: DNA sequence analysis of the CD27 gene demonstrated a sequence change, c.721G>A, in exon 6 that results in an amino acid change, p.Glu241Lys. This sequence change does not appear to have been previously described in individuals with CD27-related disorders. This sequence change has been described in the gnomAD database with a frequency of 0.14479% in the Ashkenazi Jewish subpopulation (dbSNP rs759504816). The p.Glu241Lys change affects a highly conserved amino acid residue located in a domain of the CD27 protein that is known to be functional. In-silico pathogenicity prediction tools (SIFT, PolyPhen2, Align GVGD, REVEL) provide contradictory results for the p.Glu241Lys substitution. Due to insufficient evidences and the lack of functional studies, the clinical significance of the p.Glu241Lys change remains unknown at this time.

NM_001242.5(CD27):c.721G>A (p.Glu241Lys)

Genes: CD27 (CD27 molecule; plus strand), CD27-AS1 (CD27 antisense RNA 1; minus strand). Cytogenetic location: 12p13.31.
Variant type: single nucleotide variant.
Coding change: c.721G>A on transcript NM_001242.5 (MANE Select); coding-DNA position 721, G replaced by A.
Protein change: p.Glu241Lys; replaces glutamic acid 241 with lysine.
Molecular consequence: missense variant. On other transcripts: non-coding transcript variant (1).
Genome position (GRCh38, 1-based): chr12:6,451,330, G>A. VCF-style: chr12-6451330-G-A. GRCh37 (hg19) VCF-style: chr12-6560496-G-A.
Other names: short protein forms E241K.
Identifiers: ClinVar variation 656240 (VCV000656240.11), dbSNP rs759504816, ClinGen allele CA6407086.
Genomic context (GRCh38, chr12:6,451,330, plus strand): 5'-AAAGGAGAAAGTCCTGTGGAGCCTGCAGAGCCTTGTCATTACAGCTGCCCCAGGGAGGAG[G>A]AGGGCAGCACCATCCCCATCCAGGAGGATTACCGAAAACCGGAGCCTGCCTGCTCCCCCT-3'
Protein context (NP_001233.2, residues 231-251): PCHYSCPREE[Glu241Lys]GSTIPIQEDY